The following is an entry in ClinVar:

ClinVar aggregate classification (germline): Conflicting classifications of pathogenicity. Review status: criteria provided, conflicting classifications (1 of 4 stars). 6 submissions from 6 submitters: Uncertain significance (1); Benign (1); Likely benign (3). 1 of the submissions does not count toward it. Last evaluated 2025-08-06.

Conditions:
ASPM-related disorder. Also called: ASPM-related condition.

Allele frequency attached by ClinVar (database versions not stated): gnomAD exomes 0.00009 and 0.00026; ExAC 0.00034; gnomAD 0.00101 and 0.00103; TOPMed 0.00117; ESP Exome Variant Server 0.00131; 1000 Genomes Project 0.00140; 1000 Genomes Project 30x 0.00141.
gnomAD v4.1: 294 of 1,610,864 alleles (0.018%); highest among the groups gnomAD compares: African/African-American, 0.37%; 1 homozygote.

Submissions (6):

Labcorp Genetics (formerly Invitae), Labcorp
Classification: Benign. Last evaluated: 2025-08-06. Review status: criteria provided, single submitter. Criteria: Invitae Variant Classification Sherloc (09022015). Collection method: clinical testing. Allele origin: germline.

Blueprint Genetics
Classification: Likely benign. Last evaluated: 2024-08-06. Review status: criteria provided, single submitter. Criteria: ACMG Guidelines, 2015. Collection method: clinical testing. Allele origin: germline.

GeneDx
Classification: Likely benign. Last evaluated: 2021-08-02. Review status: criteria provided, single submitter. Criteria: GeneDx Variant Classification Process June 2021. Collection method: clinical testing. Allele origin: germline. Affected: yes.

Eurofins Ntd Llc (ga)
Classification: Uncertain significance. Last evaluated: 2016-08-31. Review status: criteria provided, single submitter. Criteria: EGL Classification Definitions 2015. Collection method: clinical testing. Allele origin: germline. Observed: 2 variant alleles, 2 heterozygotes.

Genetic Services Laboratory, University of Chicago
Classification: Likely benign. Last evaluated: 2013-06-26. Review status: criteria provided, single submitter. Criteria: ACMG Guidelines, 2007. Collection method: clinical testing. Allele origin: germline. Inheritance: Autosomal recessive inheritance.
Comment: Likely benign based on allele frequency in 1000 Genomes Project or ESP global frequency and its presence in a patient with a rare or unrelated disease phenotype. NOT Sanger confirmed

PreventionGenetics, part of Exact Sciences
Classification: Likely benign for ASPM-related condition. Last evaluated: 2019-05-30. Review status: no assertion criteria provided. Collection method: clinical testing. Allele origin: germline. Not counted in ClinVar's aggregate classification.
Comment: This variant is classified as likely benign based on ACMG/AMP sequence variant interpretation guidelines (Richards et al. 2015 PMID: 25741868, with internal and published modifications).

NM_018136.5(ASPM):c.9276T>C (p.Gly3092=)

Gene: ASPM (assembly factor for spindle microtubules; minus strand). Cytogenetic location: 1q31.3.
Variant type: single nucleotide variant.
Coding change: c.9276T>C on transcript NM_018136.5 (MANE Select); coding-DNA position 9276, T replaced by C.
Protein change: p.Gly3092=; no amino-acid change (glycine 3092 retained).
Molecular consequence: synonymous variant.
Genome position (GRCh38, 1-based): chr1:197,093,070, A>G on the plus strand (T>C on the coding strand, the complement: ASPM is on the minus strand). VCF-style: chr1-197093070-A-G. GRCh37 (hg19) VCF-style: chr1-197062200-A-G.
Other names: c.4521T>C, p.Gly1507= (NM_001206846.2).
Identifiers: ClinVar variation 157907 (VCV000157907.23), dbSNP rs151142538, ClinGen allele CA171275.